The following is an entry in ClinVar:

ClinVar aggregate classification (germline): Conflicting classifications of pathogenicity. Review status: criteria provided, conflicting classifications (1 of 4 stars). 3 submissions from 3 submitters: Uncertain significance (1); Likely benign (2). Last evaluated 2025-10-24.

Conditions:
Ataxia-telangiectasia syndrome (AT). Also called: Ataxia-telangiectasia; AT, COMPLEMENTATION GROUP C; LOUIS-BAR SYNDROME; Ataxia telangiectasia (A-T); Cerebello-oculocutaneous telangiectasia; Immunodeficiency with ataxia telangiectasia. Identifiers: Orphanet 100, MedGen C0004135, MONDO:0008840, OMIM 208900.
Familial cancer of breast. Also called: BREAST CANCER, FAMILIAL; hereditary breast carcinoma; Hereditary breast cancer. Identifiers: Orphanet 227535, MedGen C0346153, MONDO:0016419, OMIM 114480. Disease mechanism: loss of function.

Allele frequency attached by ClinVar (database versions not stated): gnomAD exomes below 0.00001; TOPMed 0.00002.
gnomAD v4.1: 1 of 1,613,052 alleles (0.000062%); highest among the groups gnomAD compares: African/African-American, 0.0013%; no homozygotes.

Submissions (3):

Labcorp Genetics (formerly Invitae), Labcorp
Classification: Likely benign for Ataxia-telangiectasia syndrome. Last evaluated: 2025-10-24. Review status: criteria provided, single submitter. Criteria: Invitae Variant Classification Sherloc (09022015). Collection method: clinical testing. Allele origin: germline.

Quest Diagnostics Nichols Institute San Juan Capistrano
Classification: Uncertain significance. Last evaluated: 2025-02-14. Review status: criteria provided, single submitter. Criteria: Quest Diagnostics criteria. Collection method: clinical testing. Allele origin: unknown.

Myriad Genetics, Inc.
Classification: Likely benign for Familial cancer of breast. Last evaluated: 2024-05-10. Review status: criteria provided, single submitter. Criteria: Myriad Autosomal Dominant, Autosomal Recessive and X-Linked Classification Criteria (2023). Collection method: clinical testing. Allele origin: unknown.
Comment: This variant is considered likely benign. This variant is intronic and is not expected to impact mRNA splicing.

NM_000051.4(ATM):c.2838+8A>G

Gene: ATM (ATM serine/threonine kinase; plus strand). Cytogenetic location: 11q22.3.
Variant type: single nucleotide variant.
Coding change: c.2838+8A>G on transcript NM_000051.4 (MANE Select); 8 bases into the intron after coding-DNA position 2838, A replaced by G.
Molecular consequence: intron variant.
Genome position (GRCh38, 1-based): chr11:108,268,617, A>G. VCF-style: chr11-108268617-A-G. GRCh37 (hg19) VCF-style: chr11-108139344-A-G.
Other names: c.2838+8A>G (NM_001351834.2).
Identifiers: ClinVar variation 749134 (VCV000749134.11), dbSNP rs1295524564, ClinGen allele CA671407684.
Genomic context (GRCh38, chr11:108,268,617, plus strand): 5'-TGTTAATTGATTCTAGCACGCTAGAACCTACCAAATCCCTCCACCTGCATATGGTGAGTT[A>G]CGTTAAATGAAGAAGCTCTTGGATTTTATCTGATGTTGCTGACTAAATGTAATGAGTTGA-3'